The following is an entry in ClinVar:

NM_006767.4(LZTR1):c.268A>C (p.Thr90Pro)

Gene: LZTR1 (leucine zipper like post translational regulator 1; plus strand). Cytogenetic location: 22q11.21.
Variant type: single nucleotide variant.
Coding change: c.268A>C on transcript NM_006767.4 (MANE Select); coding-DNA position 268, A replaced by C.
Protein change: p.Thr90Pro; replaces threonine 90 with proline.
Molecular consequence: missense variant.
Genome position (GRCh38, 1-based): chr22:20,985,845, A>C. VCF-style: chr22-20985845-A-C. GRCh37 (hg19) VCF-style: chr22-21340134-A-C.
Other names: short protein forms T90P.
Identifiers: ClinVar variation 1794767 (VCV001794767.5), dbSNP rs759881378, ClinGen allele CA410778783.
Genomic context (GRCh38, chr22:20,985,845, plus strand): 5'-GGGTCACTGCAGAGTAGACCTGGCTAATGCCACCCTCTCTTCCGGCTGCCTTTCAGGAAG[A>C]CCATGCTCAATGACCTCCTGCGGTTCGATGTGAAAGACTGCTCCTGGTGCAGGTGGGTGG-3'
Protein context (NP_006758.2, residues 80-100): IYVFGGDNGK[Thr90Pro]MLNDLLRFDV

ClinVar aggregate classification (germline): Uncertain significance. Review status: criteria provided, multiple submitters, no conflicts (2 of 4 stars). 2 submissions from 2 submitters: Uncertain significance (2). Last evaluated 2025-05-17.

Conditions:
Cardiovascular phenotype. Identifiers: MedGen CN230736.
Hereditary cancer-predisposing syndrome. Also called: Tumor predisposition; Hereditary Cancer Syndrome; Neoplastic Syndromes, Hereditary; Hereditary neoplastic syndrome. Identifiers: Orphanet 140162, MedGen C0027672, MeSH D009386, MONDO:0015356.

Submissions (2):

Labcorp Genetics (formerly Invitae), Labcorp
Classification: Uncertain significance. Last evaluated: 2025-05-17. Review status: criteria provided, single submitter. Criteria: Invitae Variant Classification Sherloc (09022015). Collection method: clinical testing. Allele origin: germline.
Comment: This sequence change replaces threonine, which is neutral and polar, with proline, which is neutral and non-polar, at codon 90 of the LZTR1 protein (p.Thr90Pro). This variant is not present in population databases (gnomAD no frequency). This variant has not been reported in the literature in individuals affected with LZTR1-related conditions. ClinVar contains an entry for this variant (Variation ID: 1794767). Invitae Evidence Modeling of protein sequence and biophysical properties (such as structural, functional, and spatial information, amino acid conservation, physicochemical variation, residue mobility, and thermodynamic stability) indicates that this missense variant is not expected to disrupt LZTR1 protein function with a negative predictive value of 80%. In summary, the available evidence is currently insufficient to determine the role of this variant in disease. Therefore, it has been classified as a Variant of Uncertain Significance.

Ambry Genetics
Classification: Uncertain significance for Cardiovascular phenotype; Hereditary cancer-predisposing syndrome. Last evaluated: 2025-02-28. Review status: criteria provided, single submitter. Criteria: Ambry Variant Classification Scheme 2023. Collection method: clinical testing. Allele origin: germline.
Comment: The p.T90P variant (also known as c.268A>C), located in coding exon 3 of the LZTR1 gene, results from an A to C substitution at nucleotide position 268. The threonine at codon 90 is replaced by proline, an amino acid with highly similar properties. This amino acid position is not well conserved in available vertebrate species. In addition, this alteration is predicted to be tolerated by in silico analysis. Based on the available evidence, the clinical significance of this variant remains unclear.